The following is an entry in ClinVar:

ClinVar aggregate classification (germline): Pathogenic/Likely pathogenic. Review status: criteria provided, multiple submitters, no conflicts (2 of 4 stars). 2 submissions from 2 submitters: Pathogenic (1); Likely pathogenic (1). Last evaluated 2023-01-12.

Conditions:
Diamond-Blackfan anemia 6 (DBA6). Also called: RPL5-Related Diamond-Blackfan Anemia. Identifiers: Orphanet 124, MedGen C2931850, MONDO:0012937, OMIM 612561.
Diamond-Blackfan anemia. Also called: Aase syndrome; Blackfan Diamond syndrome; Aregenerative anemia chronic congenital; Red cell aplasia, pure hereditary; Congenital hypoplastic anemia. Identifiers: Orphanet 124, MedGen C1260899, MeSH D029503, MONDO:0015253, HP:0004810.

Submissions (2):

Revvity Omics, Revvity
Classification: Likely pathogenic for Diamond-Blackfan anemia 6. Last evaluated: 2023-01-12. Review status: criteria provided, single submitter. Criteria: ACMG Guidelines, 2015. Collection method: clinical testing. Allele origin: germline.

Ambry Genetics
Classification: Pathogenic for Diamond-Blackfan anemia. Last evaluated: 2019-12-14. Review status: criteria provided, single submitter. Criteria: Ambry Variant Classification Scheme 2023. Collection method: clinical testing. Allele origin: germline.
Comment: The c.178_179delAT pathogenic mutation, located in coding exon 3 of the RPL5 gene, results from a deletion of two nucleotides at nucleotide positions 178 to 179, causing a translational frameshift with a predicted alternate stop codon (p.I60Hfs*52). This alteration is expected to result in loss of function by premature protein truncation or nonsense-mediated mRNA decay. As such, this alteration is interpreted as a disease-causing mutation.

NM_000969.5(RPL5):c.178_179del (p.Ile60fs)

Genes: DIPK1A (divergent protein kinase domain 1A; minus strand), RPL5 (ribosomal protein L5; plus strand). Cytogenetic location: 1p22.1.
Variant type: Microsatellite.
Coding change: c.178_179del on transcript NM_000969.5 (MANE Select); coding-DNA positions 178 to 179, 2 bases deleted (AT; older notation c.178_179delAT).
Protein change: p.Ile60fs; shifts the reading frame from isoleucine 60.
Molecular consequence: frameshift variant. On other transcripts: non-coding transcript variant (1), intron variant (1).
Genome position (GRCh38, 1-based): chr1:92,833,649-92,833,650, AT deleted; deleting any 2 consecutive bases within chr1:92,833,647-92,833,650 gives the same sequence; the c. name uses the placement nearest the transcript's 3' end. VCF-style (leftmost placement, unchanged base first): chr1-92833646-GAT-G. GRCh37 (hg19) VCF-style: chr1-93299203-GAT-G.
Other names: c.475-614_475-613del (NM_001252273.2); short protein forms I60fs.
Identifiers: ClinVar variation 1779974 (VCV001779974.5), dbSNP rs2524448581, ClinGen allele CA2580611175.
Genomic context (GRCh38, chr1:92,833,646, plus strand): 5'-CAAGATAAAAATAAATACAACACACCCAAATACAGGATGATAGTTCGTGTGACAAACAGA[GAT>G]ATCATTTGTCAGGTAAGTTGTATTCTAGACAGTCCCCTTTTTTTATTGCTAGAGAAATTG-3'